The following is an entry in ClinVar:

NM_001242896.3(DEPDC5):c.3170A>C (p.Gln1057Pro)

Gene: DEPDC5 (DEP domain containing 5, GATOR1 subcomplex subunit; plus strand). Cytogenetic location: 22q12.3.
Variant type: single nucleotide variant.
Coding change: c.3170A>C on transcript NM_001242896.3 (MANE Select); coding-DNA position 3170, A replaced by C.
Protein change: p.Gln1057Pro; replaces glutamine 1057 with proline.
Molecular consequence: missense variant. On other transcripts: non-coding transcript variant (5).
Genome position (GRCh38, 1-based): chr22:31,857,459, A>C. VCF-style: chr22-31857459-A-C. GRCh37 (hg19) VCF-style: chr22-32253445-A-C.
Other names: c.3143A>C, p.Gln1048Pro (NM_001136029.4, NM_001369903.1, NM_014662.6); c.2936A>C, p.Gln979Pro (NM_001242897.2, NM_001363854.2, NM_001364319.2); c.3170A>C, p.Gln1057Pro (NM_001363852.2, NM_001364318.2, NM_001364320.2); c.3086A>C, p.Gln1029Pro (NM_001369901.1, NM_001369902.1); short protein forms Q1057P, Q979P, Q1029P, Q1048P.
Identifiers: ClinVar variation 941216 (VCV000941216.9), dbSNP rs2092345185, ClinGen allele CA411293708.

ClinVar aggregate classification (germline): Uncertain significance (1 of 4 stars; one submission).

Conditions:
Familial focal epilepsy with variable foci (FPEVF). Identifiers: Orphanet 98820, MedGen C1858477, MONDO:0020310.

Submission:

Labcorp Genetics (formerly Invitae), Labcorp
Classification: Uncertain significance for Familial focal epilepsy with variable foci. Last evaluated: 2021-08-05. Review status: criteria provided, single submitter. Criteria: Invitae Variant Classification Sherloc (09022015). Collection method: clinical testing. Allele origin: germline.
Comment: In summary, the available evidence is currently insufficient to determine the role of this variant in disease. Therefore, it has been classified as a Variant of Uncertain Significance. Algorithms developed to predict the effect of missense changes on protein structure and function output the following: SIFT: "Tolerated"; PolyPhen-2: "Not Available"; Align-GVGD: "Class C0". The proline amino acid residue is found in multiple mammalian species, suggesting that this missense change does not adversely affect protein function. These predictions have not been confirmed by published functional studies and their clinical significance is uncertain. This variant has not been reported in the literature in individuals with DEPDC5-related conditions. This variant is not present in population databases (ExAC no frequency). This sequence change replaces glutamine with proline at codon 1057 of the DEPDC5 protein (p.Gln1057Pro). The glutamine residue is highly conserved and there is a moderate physicochemical difference between glutamine and proline.